The following is an entry in ClinVar:

NM_007194.4(CHEK2):c.568_569delinsAA (p.Ala190Lys)

Gene: CHEK2 (checkpoint kinase 2; minus strand). Cytogenetic location: 22q12.1.
Variant type: Indel.
Coding change: c.568_569delinsAA on transcript NM_007194.4 (MANE Select); coding-DNA positions 568 to 569, GC replaced by AA.
Protein change: p.Ala190Lys; replaces alanine 190 with lysine.
Molecular consequence: missense variant. On other transcripts: 5 prime UTR variant (2), intron variant (1).
Genome position (GRCh38, 1-based): chr22:28,725,000-28,725,001, GC replaced by TT on the plus strand (GC replaced by AA on the coding strand, the reverse complement: CHEK2 is on the minus strand). VCF-style: chr22-28725000-GC-TT. GRCh37 (hg19) VCF-style: chr22-29120988-GC-TT.
Other names: c.697_698delinsAA, p.Ala233Lys (NM_001005735.3, NM_001438294.1); c.-210_-209delinsAA (NM_001257387.3); c.-96_-95delinsAA (NM_001437942.1); c.661_662delinsAA, p.Ala221Lys (NM_001438293.1, NM_001438295.1); c.568_569delinsAA, p.Ala190Lys (NM_145862.3); c.445-78_445-77delinsAA (NM_001349956.3); short protein forms A233K, A190K, A221K.
Identifiers: ClinVar variation 825893 (VCV000825893.4), dbSNP rs1601823008, ClinGen allele CA915952734.
Genomic context (GRCh38, chr22:28,725,000, plus strand): 5'-AAAAAAAATTCCAGTAACCATAAGATAATAATATTACCTTTATTTCTGCTTAGTGACAGT[GC>TT]AATTTCAGAATTGTTATTCAAAGGACGGCGTTTTCCTTTCCCTACAAGCTCTGTATTTAC-3'
Protein context (NP_009125.1, residues 180-200): RRPLNNNSEI[Ala190Lys]LSLSRNKVFV

ClinVar aggregate classification (germline): Uncertain significance (1 of 4 stars; one submission).

Conditions:
Hereditary cancer-predisposing syndrome. Also called: Neoplastic Syndromes, Hereditary; Tumor predisposition; Hereditary neoplastic syndrome; Hereditary Cancer Syndrome. Identifiers: Orphanet 140162, MedGen C0027672, MeSH D009386, MONDO:0015356.

Submission:

Ambry Genetics
Classification: Uncertain significance for Hereditary cancer-predisposing syndrome. Last evaluated: 2019-09-29. Review status: criteria provided, single submitter. Criteria: Ambry Variant Classification Scheme 2023. Collection method: clinical testing. Allele origin: germline.
Comment: The c.568_569delGCinsAA variant (also known as p.A190K), located in coding exon 3 of the CHEK2 gene, results from an in-frame deletion of GC and insertion of AA at nucleotide positions 568 to 569. This results in the substitution of the alanine residue for a lysine residue at codon 190, an amino acid with dissimilar properties. This amino acid position is highly conserved in available vertebrate species. Since supporting evidence is limited at this time, the clinical significance of this alteration remains unclear.